The following is an entry in ClinVar:

NM_000059.4(BRCA2):c.6515C>T (p.Ser2172Leu)

Gene: BRCA2 (BRCA2 DNA repair associated; plus strand). Cytogenetic location: 13q13.1.
Variant type: single nucleotide variant.
Coding change: c.6515C>T on transcript NM_000059.4 (MANE Select); coding-DNA position 6515, C replaced by T.
Protein change: p.Ser2172Leu; replaces serine 2172 with leucine.
Molecular consequence: missense variant. On other transcripts: non-coding transcript variant (1), intron variant (2).
Genome position (GRCh38, 1-based): chr13:32,340,870, C>T. VCF-style: chr13-32340870-C-T. GRCh37 (hg19) VCF-style: chr13-32915007-C-T.
Other names: c.6515C>T, p.Ser2172Leu (NM_001406719.1, NM_001406720.1, NM_001432077.1); c.1910-3688C>T (NM_001406721.1); c.425-3688C>T (NM_001406722.1); short protein forms S2172L.
Identifiers: ClinVar variation 3682947 (VCV003682947.2).

ClinVar aggregate classification (germline): Uncertain significance (1 of 4 stars; one submission).

Conditions:
Hereditary breast ovarian cancer syndrome. Also called: Hereditary breast and ovarian cancer syndrome (HBOC); BRCA1- and BRCA2-Associated Hereditary Breast and Ovarian Cancer; Breast and ovarian cancer; Hereditary breast and ovarian cancer; Hereditary breast and ovarian cancer syndrome; Hereditary breast and/or ovarian cancer syndrome. Identifiers: Orphanet 145, MedGen C0677776, MeSH D061325, MONDO:0003582. Disease mechanism: loss of function.

gnomAD v4.1: 3 of 1,603,038 alleles (0.00019%); highest among the groups gnomAD compares: Admixed American, 0.0017%; no homozygotes.

Submission:

Labcorp Genetics (formerly Invitae), Labcorp
Classification: Uncertain significance for Hereditary breast ovarian cancer syndrome. Last evaluated: 2024-08-01. Review status: criteria provided, single submitter. Criteria: Invitae Variant Classification Sherloc (09022015). Collection method: clinical testing. Allele origin: germline.
Comment: This sequence change replaces serine, which is neutral and polar, with leucine, which is neutral and non-polar, at codon 2172 of the BRCA2 protein (p.Ser2172Leu). This variant is present in population databases (no rsID available, gnomAD 0.1%). This variant has not been reported in the literature in individuals affected with BRCA2-related conditions. Advanced modeling of protein sequence and biophysical properties (such as structural, functional, and spatial information, amino acid conservation, physicochemical variation, residue mobility, and thermodynamic stability) performed at Invitae indicates that this missense variant is not expected to disrupt BRCA2 protein function with a negative predictive value of 95%. In summary, the available evidence is currently insufficient to determine the role of this variant in disease. Therefore, it has been classified as a Variant of Uncertain Significance.